The following is an entry in ClinVar:

NM_001025616.3(ARHGAP24):c.898A>G (p.Lys300Glu)

Gene: ARHGAP24 (Rho GTPase activating protein 24; plus strand). Cytogenetic location: 4q21.23.
Variant type: single nucleotide variant.
Coding change: c.898A>G on transcript NM_001025616.3 (MANE Select); coding-DNA position 898, A replaced by G.
Protein change: p.Lys300Glu; replaces lysine 300 with glutamic acid.
Molecular consequence: missense variant.
Genome position (GRCh38, 1-based): chr4:85,977,661, A>G. VCF-style: chr4-85977661-A-G. GRCh37 (hg19) VCF-style: chr4-86898814-A-G.
Other names: c.613A>G, p.Lys205Glu (NM_001042669.2); c.643A>G, p.Lys215Glu (NM_001287805.2); c.319A>G, p.Lys107Glu (NM_001346093.2); c.619A>G, p.Lys207Glu (NM_031305.3); short protein forms K107E, K205E, K207E, K215E, K300E.
Identifiers: ClinVar variation 3616004 (VCV003616004.2).

ClinVar aggregate classification (germline): Uncertain significance (1 of 4 stars; one submission).

gnomAD v4.1: 1 of 1,613,934 alleles (0.000062%); highest among the groups gnomAD compares: Non-Finnish European, 0.000085%; no homozygotes.

Submission:

Labcorp Genetics (formerly Invitae), Labcorp
Classification: Uncertain significance. Last evaluated: 2024-03-27. Review status: criteria provided, single submitter. Criteria: Invitae Variant Classification Sherloc (09022015). Collection method: clinical testing. Allele origin: germline.
Comment: This sequence change replaces lysine, which is basic and polar, with glutamic acid, which is acidic and polar, at codon 300 of the ARHGAP24 protein (p.Lys300Glu). This variant is not present in population databases (gnomAD no frequency). This variant has not been reported in the literature in individuals affected with ARHGAP24-related conditions. An algorithm developed to predict the effect of missense changes on protein structure and function (PolyPhen-2) suggests that this variant is likely to be tolerated. In summary, the available evidence is currently insufficient to determine the role of this variant in disease. Therefore, it has been classified as a Variant of Uncertain Significance.